The following is an entry in ClinVar:

ClinVar aggregate classification (germline): Uncertain significance (1 of 4 stars; one submission).

Allele frequency attached by ClinVar (database versions not stated): gnomAD 0.00001.
gnomAD v4.1: 1 of 1,610,736 alleles (0.000062%); no homozygotes.

Submission:

Labcorp Genetics (formerly Invitae), Labcorp
Classification: Uncertain significance. Last evaluated: 2022-12-18. Review status: criteria provided, single submitter. Criteria: Invitae Variant Classification Sherloc (09022015). Collection method: clinical testing. Allele origin: germline.
Comment: In summary, the available evidence is currently insufficient to determine the role of this variant in disease. Therefore, it has been classified as a Variant of Uncertain Significance. Algorithms developed to predict the effect of missense changes on protein structure and function (SIFT, PolyPhen-2, Align-GVGD) all suggest that this variant is likely to be tolerated. This variant has not been reported in the literature in individuals affected with GNB1-related conditions. This variant is not present in population databases (gnomAD no frequency). This sequence change replaces isoleucine, which is neutral and non-polar, with valine, which is neutral and non-polar, at codon 232 of the GNB1 protein (p.Ile232Val).

NM_002074.5(GNB1):c.694A>G (p.Ile232Val)

Gene: GNB1 (G protein subunit beta 1; minus strand). Cytogenetic location: 1p36.33.
Variant type: single nucleotide variant.
Coding change: c.694A>G on transcript NM_002074.5 (MANE Select); coding-DNA position 694, A replaced by G.
Protein change: p.Ile232Val; replaces isoleucine 232 with valine.
Molecular consequence: missense variant.
Genome position (GRCh38, 1-based): chr1:1,790,400, T>C on the plus strand (A>G on the coding strand, the complement: GNB1 is on the minus strand). VCF-style: chr1-1790400-T-C. GRCh37 (hg19) VCF-style: chr1-1721839-T-C.
Other names: c.694A>G, p.Ile232Val (NM_001282539.2); c.394A>G, p.Ile132Val (NM_001282538.2); short protein forms I132V, I232V.
Identifiers: ClinVar variation 2822074 (VCV002822074.3), dbSNP rs1646466406, ClinGen allele CA337906289.